The following is an entry in ClinVar:

NM_001347721.2(DYRK1A):c.1286G>A (p.Arg429His)

Gene: DYRK1A (dual specificity tyrosine phosphorylation regulated kinase 1A; plus strand). Cytogenetic location: 21q22.13.
Variant type: single nucleotide variant.
Coding change: c.1286G>A on transcript NM_001347721.2 (MANE Select); coding-DNA position 1286, G replaced by A.
Protein change: p.Arg429His; replaces arginine 429 with histidine.
Molecular consequence: missense variant.
Genome position (GRCh38, 1-based): chr21:37,505,356, G>A. VCF-style: chr21-37505356-G-A. GRCh37 (hg19) VCF-style: chr21-38877659-G-A.
Other names: c.1286G>A, p.Arg429His (NM_001347722.2, NM_130436.2); c.1199G>A, p.Arg400His (NM_001347723.2); c.1313G>A, p.Arg438His (NM_001396.5, NM_101395.2, NM_130438.2); short protein forms R400H, R429H, R438H.
Identifiers: ClinVar variation 952534 (VCV000952534.43), dbSNP rs1379071994, ClinGen allele CA409938141.
Genomic context (GRCh38, chr21:37,505,356, plus strand): 5'-CAGGAACCCGTAAACTTCATAACATTCTTGGAGTGGAAACAGGAGGACCTGGTGGGCGAC[G>A]TGCTGGGGAGTCAGGTCATACGGTCGCTGACTACTTGAAGTTCAAAGACCTCATTTTAAG-3'
Protein context (NP_001334650.1, residues 419-439): GVETGGPGGR[Arg429His]AGESGHTVAD

ClinVar aggregate classification (germline): Uncertain significance. Review status: criteria provided, multiple submitters, no conflicts (2 of 4 stars). 2 submissions from 2 submitters: Uncertain significance (2). Last evaluated 2025-06-29.

Conditions:
DYRK1A-related intellectual disability syndrome (MRD7). Also called: Intellectual developmental disorder, autosomal dominant 7; DYRK1A Syndrome. Identifiers: Orphanet 464306, MedGen C5568143, MONDO:0013578, OMIM 614104.

Submissions (2):

Labcorp Genetics (formerly Invitae), Labcorp
Classification: Uncertain significance for DYRK1A-related intellectual disability syndrome. Last evaluated: 2025-06-29. Review status: criteria provided, single submitter. Criteria: Invitae Variant Classification Sherloc (09022015). Collection method: clinical testing. Allele origin: germline.
Comment: This sequence change replaces arginine, which is basic and polar, with histidine, which is basic and polar, at codon 438 of the DYRK1A protein (p.Arg438His). This variant is present in population databases (no rsID available, gnomAD no frequency). This missense change has been observed in individual(s) with a neurodevelopmental disorder (PMID: 27824329). ClinVar contains an entry for this variant (Variation ID: 952534). Invitae Evidence Modeling of protein sequence and biophysical properties (such as structural, functional, and spatial information, amino acid conservation, physicochemical variation, residue mobility, and thermodynamic stability) indicates that this missense variant is not expected to disrupt DYRK1A protein function with a negative predictive value of 95%. Experimental studies have shown that this missense change affects DYRK1A function (PMID: 30831192). In summary, the available evidence is currently insufficient to determine the role of this variant in disease. Therefore, it has been classified as a Variant of Uncertain Significance.

CeGaT Center for Human Genetics Tuebingen
Classification: Uncertain significance. Last evaluated: 2023-02-01. Review status: criteria provided, single submitter. Criteria: CeGaT Center For Human Genetics Tuebingen Variant Classification Criteria Version 2. Collection method: clinical testing. Allele origin: germline. Affected: yes. Observed: 2 variant alleles.
Comment: DYRK1A: PM2, PP2, PS3:Supporting, PS4:Supporting, BP5

Literature cited by the submitters: PubMed 27824329 (cited by Labcorp Genetics (formerly Invitae), Labcorp); PubMed 30831192 (cited by Labcorp Genetics (formerly Invitae), Labcorp).